The following is an entry in ClinVar:

NM_000077.5(CDKN2A):c.344T>A (p.Val115Glu)

Gene: CDKN2A (cyclin dependent kinase inhibitor 2A; minus strand). Cytogenetic location: 9p21.3.
Variant type: single nucleotide variant.
Coding change: c.344T>A on transcript NM_000077.5; coding-DNA position 344, T replaced by A.
Protein change: p.Val115Glu; replaces valine 115 with glutamic acid.
Molecular consequence: missense variant (on NM_000077.6). On other transcripts: synonymous variant (1), 3 prime UTR variant (1).
Genome position (GRCh38, 1-based): chr9:21,971,015, A>T on the plus strand (T>A on the coding strand, the complement: CDKN2A is on the minus strand). VCF-style: chr9-21971015-A-T. GRCh37 (hg19) VCF-style: chr9-21971014-A-T.
Other names: c.344T>A, p.Val115Glu (NM_000077.6, NM_001195132.2); c.191T>A, p.Val64Glu (NM_001363763.2); c.387T>A, p.Arg129= (NM_058195.4); c.*267T>A (NM_058197.5); short protein forms V115E, V64E.
Identifiers: ClinVar variation 246437 (VCV000246437.60), dbSNP rs750655995, ClinGen allele CA5012177.

ClinVar aggregate classification (germline): Uncertain significance. Review status: criteria provided, multiple submitters, no conflicts (2 of 4 stars). 7 submissions from 7 submitters: Uncertain significance (7). Last evaluated 2025-09-06.

Conditions:
Melanoma-pancreatic cancer syndrome. Identifiers: Orphanet 404560, MedGen C1838547, MONDO:0011713, OMIM 606719. Disease mechanism: loss of function.
Melanoma, cutaneous malignant, susceptibility to, 2 (CMM2). Also called: CDKN2A-Related Cutaneous Malignant Melanoma; Cutaneous malignant melanoma 2. Identifiers: Orphanet 618, MedGen C1835044, MONDO:0007964, OMIM 155601.
Melanoma and neural system tumor syndrome. Also called: MELANOMA-ASTROCYTOMA SYNDROME. Identifiers: Orphanet 252206, MedGen C1835042, MONDO:0007967, OMIM 155755.
Hereditary cancer-predisposing syndrome. Also called: Tumor predisposition; Hereditary Cancer Syndrome; Neoplastic Syndromes, Hereditary; Hereditary neoplastic syndrome. Identifiers: Orphanet 140162, MedGen C0027672, MeSH D009386, MONDO:0015356.
Familial melanoma. Also called: Hereditary melanoma; Hereditary cutaneous melanoma. Identifiers: Orphanet 618, MedGen C1512419, MONDO:0018961.

Allele frequency attached by ClinVar (database versions not stated): gnomAD 0.00001; gnomAD exomes 0.00001; TOPMed 0.00002.
gnomAD v4.1: 10 of 1,607,670 alleles (0.00062%); highest among the groups gnomAD compares: East Asian, 0.022%; no homozygotes.

Submissions (7):

Ambry Genetics
Classification: Uncertain significance for Hereditary cancer-predisposing syndrome. Last evaluated: 2025-09-06. Review status: criteria provided, single submitter. Criteria: Ambry Variant Classification Scheme 2023. Collection method: clinical testing. Allele origin: germline.
Comment: The p.V115E variant (also known as c.344T>A), located in coding exon 2 of the CDKN2A gene, results from a T to A substitution at nucleotide position 344. The valine at codon 115 is replaced by glutamic acid, an amino acid with dissimilar properties. Of note, this variant is also known as c.387T>A in the p14(ARF) isoform. This amino acid position is not well conserved in available vertebrate species. In addition, this alteration is predicted to be deleterious by in silico analysis. Since supporting evidence is limited at this time, the clinical significance of this alteration remains unclear.

Color Diagnostics, LLC DBA Color Health
Classification: Uncertain significance for Hereditary cancer-predisposing syndrome. Last evaluated: 2025-09-04. Review status: criteria provided, single submitter. Criteria: ACMG Guidelines, 2015. Collection method: clinical testing. Allele origin: germline.
Comment: The CDKN2A locus encodes two different gene products, p16INK4a and p14ARF. This missense variant replaces valine with glutamic acid at codon 115 of the CDKN2A (p16INK4A) protein. Computational prediction is inconclusive regarding the impact of this variant on protein structure and function. To our knowledge, functional studies have not been reported for this variant. This variant has been reported in individuals affected with non-small cell lung cancer and oral tongue squamous cell carcinoma (PMID: 16171945, 24436120). This variant has been identified in 6/270818 chromosomes in the general population by the Genome Aggregation Database (gnomAD). The available evidence is insufficient to determine the role of this variant in disease conclusively. Therefore, this variant is classified as a Variant of Uncertain Significance.

Fulgent Genetics
Classification: Uncertain significance for Melanoma, cutaneous malignant, susceptibility to, 2; Melanoma and neural system tumor syndrome; Melanoma-pancreatic cancer syndrome. Last evaluated: 2024-06-19. Review status: criteria provided, single submitter. Criteria: ACMG Guidelines, 2015. Collection method: clinical testing. Allele origin: germline.

Baylor Genetics
Classification: Uncertain significance for Melanoma and neural system tumor syndrome. Last evaluated: 2024-03-25. Review status: criteria provided, single submitter. Criteria: ACMG Guidelines, 2015. Collection method: clinical testing. Allele origin: unknown.

Labcorp Genetics (formerly Invitae), Labcorp
Classification: Uncertain significance for Familial melanoma. Last evaluated: 2023-12-14. Review status: criteria provided, single submitter. Criteria: Invitae Variant Classification Sherloc (09022015). Collection method: clinical testing. Allele origin: germline.
Comment: This sequence change replaces valine, which is neutral and non-polar, with glutamic acid, which is acidic and polar, at codon 115 of the CDKN2A (p16INK4a) protein (p.Val115Glu). The frequency data for this variant in the population databases is considered unreliable, as metrics indicate poor data quality at this position in the gnomAD database. This missense change has been observed in individual(s) with oral tongue squamous cell carcinomas (PMID: 24436120). ClinVar contains an entry for this variant (Variation ID: 246437). An algorithm developed to predict the effect of missense changes on protein structure and function (PolyPhen-2) suggests that this variant is likely to be disruptive. Experimental studies have shown that this missense change affects CDKN2A (p16INK4a) function (PMID: 8573142). In summary, the available evidence is currently insufficient to determine the role of this variant in disease. Therefore, it has been classified as a Variant of Uncertain Significance.

CeGaT Center for Human Genetics Tuebingen
Classification: Uncertain significance. Last evaluated: 2019-10-01. Review status: criteria provided, single submitter. Criteria: CeGaT Center For Human Genetics Tuebingen Variant Classification Criteria Version 2. Collection method: clinical testing. Allele origin: germline. Affected: yes. Observed: 1 variant allele.

GeneDx
Classification: Uncertain significance. Last evaluated: 2016-02-22. Review status: criteria provided, single submitter. Criteria: GeneDx Variant Classification (06012015). Collection method: clinical testing. Allele origin: germline. Affected: yes.
Comment: This variant is denoted CDKN2A c.344T>A at the cDNA level, p.Val115Glu (V115E) at the protein level, and results in the change of a Valine to a Glutamic Acid (GTG>GAG). This variant was observed in a patient with oral squamous cell carcinoma and in a patient with non-small cell lung cancer (Tengs 2006, Lim 2014). CDKN2A Val115Glu was not observed in approximately 6,500 individuals of European and African American ancestry in the NHLBI Exome Sequencing Project, suggesting it is not a common benign variant in these populations. Since Valine and Glutamic Acid differ in polarity, charge, size or other properties, this is considered a non-conservative amino acid substitution. CDKN2A Val115Glu occurs at a position where amino acids with properties similar to Valine are tolerated across species and is located in the ANK4 Repeat domain (UniProt). In silico analyses predict that this variant is probably damaging to protein structure and function. Based on currently available evidence, it is unclear whether CDKN2A Val115Glu is a pathogenic or benign variant. We consider it to be a variant of uncertain significance.

Literature cited by the submitters: PubMed 16171945 (cited by Color Diagnostics, LLC DBA Color Health); PubMed 24436120 (cited by Color Diagnostics, LLC DBA Color Health and Labcorp Genetics (formerly Invitae), Labcorp); PubMed 8573142 (cited by Labcorp Genetics (formerly Invitae), Labcorp).